The following is an entry in ClinVar:

NM_003922.4(HERC1):c.14307G>T (p.Arg4769=)

Gene: HERC1 (HECT and RLD domain containing E3 ubiquitin protein ligase family member 1; minus strand). Cytogenetic location: 15q22.31.
Variant type: single nucleotide variant.
Coding change: c.14307G>T on transcript NM_003922.4 (MANE Select); coding-DNA position 14307, G replaced by T.
Protein change: p.Arg4769=; no amino-acid change (arginine 4769 retained).
Molecular consequence: synonymous variant.
Genome position (GRCh38, 1-based): chr15:63,612,344, C>A on the plus strand (G>T on the coding strand, the complement: HERC1 is on the minus strand). VCF-style: chr15-63612344-C-A. GRCh37 (hg19) VCF-style: chr15-63904543-C-A.
Identifiers: ClinVar variation 2059803 (VCV002059803.10), dbSNP rs138360051, ClinGen allele CA7603512.
Genomic context (GRCh38, chr15:63,612,344, plus strand): 5'-AATGTCAGCAGTGTTGGCTGGTAGTCGAGATCTTCCTGACACAAACCTCATGAAAAGCAC[C>A]CGCTCCTCATTGGAGAACTCTTCCAGCGTGTGCCAGAACCACTGCACCAGCTGATGCTGC-3'
Protein context (NP_003913.3, residues 4759-4779): HTLEEFSNEE[Arg4769=]VLFMRFVSGR

ClinVar aggregate classification (germline): Likely benign. Review status: criteria provided, multiple submitters, no conflicts (2 of 4 stars). 2 submissions from 2 submitters: Likely benign (2). Last evaluated 2025-12-08.

Allele frequency attached by ClinVar (database versions not stated): ExAC 0.00004; gnomAD 0.00007; TOPMed 0.00009; 1000 Genomes Project 0.00040; 1000 Genomes Project 30x 0.00047.
gnomAD v4.1: 25 of 1,614,000 alleles (0.0015%); highest among the groups gnomAD compares: Middle Eastern, 0.049%; no homozygotes.

Submissions (2):

Labcorp Genetics (formerly Invitae), Labcorp
Classification: Likely benign. Last evaluated: 2025-12-08. Review status: criteria provided, single submitter. Criteria: Invitae Variant Classification Sherloc (09022015). Collection method: clinical testing. Allele origin: germline.

CeGaT Center for Human Genetics Tuebingen
Classification: Likely benign. Last evaluated: 2025-11-01. Review status: criteria provided, single submitter. Criteria: CeGaT Center For Human Genetics Tuebingen Variant Classification Criteria Version 2. Collection method: clinical testing. Allele origin: germline. Affected: yes. Observed: 1 variant allele.
Comment: HERC1: BP4, BP7